The following is an entry in ClinVar:

ClinVar aggregate classification (germline): Uncertain significance (1 of 4 stars; one submission).

Conditions:
RFWD3-related disorder. Also called: RFWD3-related condition.

Submission:

PreventionGenetics, part of Exact Sciences
Classification: Uncertain significance for RFWD3-related condition. Last evaluated: 2022-10-12. Review status: criteria provided, single submitter. Criteria: ACMG Guidelines, 2015. Collection method: clinical testing. Allele origin: germline.
Comment: The RFWD3 c.1222A>T variant is predicted to result in the amino acid substitution p.Ser408Cys. To our knowledge, this variant has not been reported in the literature or in a large population database, indicating this variant is rare. At this time, the clinical significance of this variant is uncertain due to the absence of conclusive functional and genetic evidence.

NM_018124.4(RFWD3):c.1222A>T (p.Ser408Cys)

Gene: RFWD3 (ring finger and WD repeat domain 3; minus strand). Cytogenetic location: 16q23.1.
Variant type: single nucleotide variant.
Coding change: c.1222A>T on transcript NM_018124.4 (MANE Select); coding-DNA position 1222, A replaced by T.
Protein change: p.Ser408Cys; replaces serine 408 with cysteine.
Molecular consequence: missense variant.
Genome position (GRCh38, 1-based): chr16:74,636,550, T>A on the plus strand (A>T on the coding strand, the complement: RFWD3 is on the minus strand). VCF-style: chr16-74636550-T-A. GRCh37 (hg19) VCF-style: chr16-74670448-T-A.
Other names: c.1222A>T, p.Ser408Cys (NM_001370534.1, NM_001370535.1, NM_001370536.1); c.388A>T, p.Ser130Cys (NM_001370537.1, NM_001370539.1, NM_001370540.1 and 3 more transcripts); short protein forms S130C, S408C.
Identifiers: ClinVar variation 2637289 (VCV002637289.1), dbSNP rs1959201366, ClinGen allele CA396762184.
Genomic context (GRCh38, chr16:74,636,550, plus strand): 5'-TGGAGGGTGAGCAGCTCAGGACCCATGCTTGGGAGCCCCTGGGTTGCTGTAAATTCTGAC[T>A]TTGATGTGACGTAAGTTTTTGCAAGTCCTAAAATGAAAAAGATTTTATAAATACAAAGCT-3'
Protein context (NP_060594.3, residues 398-418): QDLQKLTSHQ[Ser408Cys]QNLQQPRGSQ